The following is an entry in ClinVar:

ClinVar aggregate classification (germline): Conflicting classifications of pathogenicity. Review status: criteria provided, conflicting classifications (1 of 4 stars). 3 submissions from 3 submitters: Likely pathogenic (1); Uncertain significance (1). 1 of the submissions does not count toward it. Last evaluated 2025-08-07.

Conditions:
Spermatogenic failure 89 (SPGF89). Identifiers: MedGen C5882752, MONDO:0958206, OMIM 620705.

Allele frequency attached by ClinVar (database versions not stated): ExAC 0.00003; gnomAD 0.00003; TOPMed 0.00004; 1000 Genomes Project 30x 0.00016; 1000 Genomes Project 0.00020.
gnomAD v4.1: 27 of 1,609,188 alleles (0.0017%); highest among the groups gnomAD compares: East Asian, 0.047%; no homozygotes.

Submissions (3):

First Genomix Gene Laboratory, Genetic Diagnostics Department
Classification: Likely pathogenic for Spermatogenic failure 89. Last evaluated: 2025-08-07. Review status: criteria provided, single submitter. Criteria: ACMG Guidelines, 2015. Collection method: clinical testing. Allele origin: germline. Inheritance: Autosomal recessive inheritance. Affected: no. Observed: 1 variant allele.

Ambry Genetics
Classification: Uncertain significance. Last evaluated: 2024-03-31. Review status: criteria provided, single submitter. Criteria: Ambry Variant Classification Scheme 2023. Collection method: clinical testing. Allele origin: germline.

OMIM
Classification: Pathogenic for SPERMATOGENIC FAILURE 89. Last evaluated: 2024-02-05. Review status: no assertion criteria provided. Collection method: literature only. Allele origin: germline. Not counted in ClinVar's aggregate classification.

Literature cited by the submitters: PubMed 37713809 (cited by OMIM).

NM_001145128.3(AK9):c.3391G>A (p.Glu1131Lys)

Gene: AK9 (adenylate kinase 9; minus strand). Cytogenetic location: 6q21.
Variant type: single nucleotide variant.
Coding change: c.3391G>A on transcript NM_001145128.3 (MANE Select); coding-DNA position 3391, G replaced by A.
Protein change: p.Glu1131Lys; replaces glutamic acid 1131 with lysine.
Molecular consequence: missense variant.
Genome position (GRCh38, 1-based): chr6:109,533,430, C>T on the plus strand (G>A on the coding strand, the complement: AK9 is on the minus strand). VCF-style: chr6-109533430-C-T. GRCh37 (hg19) VCF-style: chr6-109854633-C-T.
Other names: short protein forms E1131K.
Identifiers: ClinVar variation 2275616 (VCV002275616.6), dbSNP rs574889890, ClinGen allele CA3954874.